The following is an entry in ClinVar:

NM_001987.5(ETV6):c.1009+5758C>T

Gene: ETV6 (ETS variant transcription factor 6; plus strand). Cytogenetic location: 12p13.2.
Variant type: single nucleotide variant.
Coding change: c.1009+5758C>T on transcript NM_001987.5 (MANE Select); 5758 bases into the intron after coding-DNA position 1009, C replaced by T.
Molecular consequence: intron variant.
Genome position (GRCh38, 1-based): chr12:11,875,727, C>T. VCF-style: chr12-11875727-C-T. GRCh37 (hg19) VCF-style: chr12-12028661-C-T.
Other names: c.982+5758C>T (NM_001413914.1); c.1009+5758C>T (NM_001413917.1); c.1006+5758C>T (NM_001413913.1); c.745+5758C>T (NM_001413915.1).
Identifiers: ClinVar variation 2642728 (VCV002642728.24), dbSNP rs75035724, ClinGen allele CA232612654.

ClinVar aggregate classification (germline): Benign (1 of 4 stars; one submission).

Allele frequency attached by ClinVar (database versions not stated): 1000 Genomes Project 0.00439; 1000 Genomes Project 30x 0.00484; TOPMed 0.00848; gnomAD 0.00859.
gnomAD v4.1: 1,317 of 152,272 alleles (0.86%); highest among the groups gnomAD compares: Non-Finnish European, 1.2%; 9 homozygotes.

Submission:

CeGaT Center for Human Genetics Tuebingen
Classification: Benign. Last evaluated: 2026-09-01. Review status: criteria provided, single submitter. Criteria: CeGaT Center For Human Genetics Tuebingen Variant Classification Criteria Version 2. Collection method: clinical testing. Allele origin: germline. Affected: yes. Observed: 11 variant alleles.
Comment: ETV6: BS1, BS2